The following is an entry in ClinVar:

NM_032578.4(MYPN):c.693G>C (p.Gln231His)

Gene: MYPN (myopalladin; plus strand). Cytogenetic location: 10q21.3.
Variant type: single nucleotide variant.
Coding change: c.693G>C on transcript NM_032578.4 (MANE Select); coding-DNA position 693, G replaced by C.
Protein change: p.Gln231His; replaces glutamine 231 with histidine.
Molecular consequence: missense variant. On other transcripts: 5 prime UTR variant (1), non-coding transcript variant (1).
Genome position (GRCh38, 1-based): chr10:68,122,131, G>C. VCF-style: chr10-68122131-G-C. GRCh37 (hg19) VCF-style: chr10-69881888-G-C.
Other names: c.693G>C, p.Gln231His (NM_001256267.2); c.-430G>C (NM_001256268.2); short protein forms Q231H.
Identifiers: ClinVar variation 1356135 (VCV001356135.5), dbSNP rs1188978880, ClinGen allele CA377104917.

ClinVar aggregate classification (germline): Uncertain significance (1 of 4 stars; one submission).

Conditions:
Dilated cardiomyopathy 1KK (CMD1KK). Identifiers: Orphanet 154, Orphanet 75249, MedGen C3714995, MONDO:0014100, OMIM 615248.

Allele frequency attached by ClinVar (database versions not stated): gnomAD exomes below 0.00001 and 0.00001.
gnomAD v4.1: 3 of 1,613,954 alleles (0.00019%); highest among the groups gnomAD compares: Middle Eastern, 0.016%; no homozygotes.

Submission:

Labcorp Genetics (formerly Invitae), Labcorp
Classification: Uncertain significance for Dilated cardiomyopathy 1KK. Last evaluated: 2021-09-17. Review status: criteria provided, single submitter. Criteria: Invitae Variant Classification Sherloc (09022015). Collection method: clinical testing. Allele origin: germline.
Comment: In summary, the available evidence is currently insufficient to determine the role of this variant in disease. Therefore, it has been classified as a Variant of Uncertain Significance. Algorithms developed to predict the effect of missense changes on protein structure and function (SIFT, PolyPhen-2, Align-GVGD) all suggest that this variant is likely to be tolerated. This sequence change replaces glutamine with histidine at codon 231 of the MYPN protein (p.Gln231His). The glutamine residue is weakly conserved and there is a small physicochemical difference between glutamine and histidine. This variant is not present in population databases (ExAC no frequency). This variant has not been reported in the literature in individuals affected with MYPN-related conditions.